The following is an entry in ClinVar:

ClinVar aggregate classification (germline): Likely benign (1 of 4 stars; one submission).

Submission:

CeGaT Center for Human Genetics Tuebingen
Classification: Likely benign. Last evaluated: 2024-04-01. Review status: criteria provided, single submitter. Criteria: CeGaT Center For Human Genetics Tuebingen Variant Classification Criteria Version 2. Collection method: clinical testing. Allele origin: germline. Affected: yes. Observed: 1 variant allele.
Comment: RORA: PM2:Supporting, BP4, BP7

NM_134261.3(RORA):c.66G>A (p.Ala22=)

Gene: RORA (RAR related orphan receptor A; minus strand). Cytogenetic location: 15q22.2.
Variant type: single nucleotide variant.
Coding change: c.66G>A on transcript NM_134261.3 (MANE Select); coding-DNA position 66, G replaced by A.
Protein change: p.Ala22=; no amino-acid change (alanine 22 retained).
Molecular consequence: synonymous variant.
Genome position (GRCh38, 1-based): chr15:61,229,153, C>T on the plus strand (G>A on the coding strand, the complement: RORA is on the minus strand). VCF-style: chr15-61229153-C-T. GRCh37 (hg19) VCF-style: chr15-61521352-C-T.
Identifiers: ClinVar variation 3234605 (VCV003234605.20), dbSNP rs2505120773, ClinGen allele CA490752930.
Genomic context (GRCh38, chr15:61,229,153, plus strand): 5'-AGGCGGCTCGCTCTTGCGGGCGGATTCCTGGTTCAGCGGGGTCTCCCTGGAGCCGGCGGC[C>T]GCGTCCGCGCCGCTGCTGCCTGGCTCGCTGGCGGCGGGGTCGGGGGCTGCCGGAGCTGAC-3'
Protein context (NP_599023.1, residues 12-32): ASEPGSSGAD[Ala22=]AAGSRETPLN